The following is an entry in ClinVar:

NM_000091.5(COL4A3):c.3097G>T (p.Gly1033Ter)

Genes: COL4A3 (collagen type IV alpha 3 chain; plus strand), MFF-DT (MFF divergent transcript; minus strand). Cytogenetic location: 2q36.3.
Variant type: single nucleotide variant.
Coding change: c.3097G>T on transcript NM_000091.5 (MANE Select); coding-DNA position 3097, G replaced by T.
Protein change: p.Gly1033Ter; replaces glycine 1033 with a stop codon.
Molecular consequence: nonsense.
Genome position (GRCh38, 1-based): chr2:227,290,773, G>T. VCF-style: chr2-227290773-G-T. GRCh37 (hg19) VCF-style: chr2-228155489-G-T.
Other names: short protein forms G1033*.
Identifiers: ClinVar variation 4817239 (VCV004817239.1).
Genomic context (GRCh38, chr2:227,290,773, plus strand): 5'-TCTATTTTACTCTATGTTTTCCCCCTAATTTCAGGTTCTAAAGGAAAAAGGGGAACTTTG[G>T]GATTCCCAGGTCGAGCAGGAAGACCAGGCCTCCCAGGTATTCATGGTCTCCAGGGAGATA-3'

ClinVar aggregate classification (germline): Likely pathogenic (1 of 4 stars; one submission).

Conditions:
Alport syndrome. Also called: Hemorrhagic familial nephritis; Hemorrhagic hereditary nephritis; Congenital hereditary hematuria. Identifiers: Orphanet 63, MedGen C1567741, MONDO:0018965.

gnomAD v4.1: 1 of 1,613,290 alleles (0.000062%); highest among the groups gnomAD compares: Non-Finnish European, 0.000085%; no homozygotes.

Submission:

Natera, Inc.
Classification: Likely pathogenic for Alport syndrome. Last evaluated: 2024-12-10. Review status: criteria provided, single submitter. Criteria: Natera Variant Classification Schema (03/2026). Collection method: clinical testing. Allele origin: germline.
Comment: The c.3097G>T variant in COL4A3 is a nonsense variant predicted to introduce a stop codon at amino acid 1033. This variant is expected to result in nonsense mediated decay, truncation, or a dysfunctional protein product. This variant is rare in the general population with a frequency below the threshold expected for the associated phenotype(s). Given the available evidence, this variant is classified as Likely Pathogenic.